The following is an entry in ClinVar:

ClinVar aggregate classification (germline): Pathogenic. Review status: criteria provided, multiple submitters, no conflicts (2 of 4 stars). 5 submissions from 5 submitters: Pathogenic (4). 1 of the submissions does not count toward it. Last evaluated 2026-03-27.

Conditions:
Hemoglobinopathy. Also called: Haemoglobinopathies; Hemoglobin disorder. Identifiers: MedGen C0019045, MONDO:0044348.
beta Thalassemia (BTHAL). Also called: Cooley's anemia; Erythroblastic anemia; Mediterranean anemia. Identifiers: Orphanet 848, MedGen C0005283, MONDO:0019402. Disease mechanism: loss of function.

Submissions (5):

Women's Health and Genetics/Laboratory Corporation of America, LabCorp
Classification: Pathogenic for Hemoglobinopathy. Last evaluated: 2026-03-27. Review status: criteria provided, single submitter. Criteria: LabCorp Variant Classification Summary - May 2015. Collection method: clinical testing. Allele origin: germline.
Comment: Variant summary: HBB c.113G>A (p.Trp38X) results in a premature termination codon, predicted to cause a truncation of the encoded protein or absence of the protein due to nonsense mediated decay, which are commonly known mechanisms for disease. The variant was absent in 251358 control chromosomes. c.113G>A has been observed in individual(s) affected with Hemoglobinopathy (e.g. Kornblit_2005). These data indicate that the variant may be associated with disease. The following publication has been ascertained in the context of this evaluation (PMID: 16114184). ClinVar contains an entry for this variant (Variation ID: 439782). Based on the evidence outlined above, the variant was classified as pathogenic.

Natera, Inc.
Classification: Pathogenic for Beta thalassemia. Last evaluated: 2025-08-04. Review status: criteria provided, single submitter. Criteria: Natera Variant Classification Schema (03/2026). Collection method: clinical testing. Allele origin: germline.
Comment: The c.113G>A variant in HBB is a nonsense variant predicted to introduce a stop codon at amino acid 38. This variant is expected to result in nonsense mediated decay, truncation, or a dysfunctional protein product. This variant is rare in the general population with a frequency below the threshold expected for the associated phenotype(s). This variant has been observed in one or more individuals affected with the associated recessive disease, as either homozygous or compound heterozygous with a second variant (PMID: 18976160). Given the available evidence, this variant is classified as Pathogenic.

Labcorp Genetics (formerly Invitae), Labcorp
Classification: Pathogenic. Last evaluated: 2023-02-14. Review status: criteria provided, single submitter. Criteria: Invitae Variant Classification Sherloc (09022015). Collection method: clinical testing. Allele origin: germline.
Comment: This variant is not present in population databases (gnomAD no frequency). This premature translational stop signal has been observed in individual(s) with Beta thalassemia (PMID: 28670940). ClinVar contains an entry for this variant (Variation ID: 439782). For these reasons, this variant has been classified as Pathogenic. This sequence change creates a premature translational stop signal (p.Trp38*) in the HBB gene. It is expected to result in an absent or disrupted protein product. Loss-of-function variants in HBB are known to be pathogenic (PMID: 23637309).

ARUP Laboratories, Molecular Genetics and Genomics, ARUP Laboratories
Classification: Pathogenic. Last evaluated: 2017-01-24. Review status: criteria provided, single submitter. Criteria: ARUP Molecular Germline Variant Investigation Process. Collection method: clinical testing. Allele origin: germline.

The ITHANET community portal, The Cyprus Institute of Neurology and Genetics
Classification: Pathogenic for beta Thalassemia. Last evaluated: 2019-11-25. Review status: no assertion criteria provided. Collection method: curation. Allele origin: germline. Not counted in ClinVar's aggregate classification.

Literature cited by the submitters: PubMed 16114184 (cited by Women's Health and Genetics/Laboratory Corporation of America, LabCorp and The ITHANET community portal, The Cyprus Institute of Neurology and Genetics); PubMed 18976160 (cited by Natera, Inc.); PubMed 28670940 (cited by Labcorp Genetics (formerly Invitae), Labcorp); PubMed 23637309 (cited by Labcorp Genetics (formerly Invitae), Labcorp); PubMed 7669681 (cited by The ITHANET community portal, The Cyprus Institute of Neurology and Genetics).

NM_000518.5(HBB):c.113G>A (p.Trp38Ter)

Genes: HBB (hemoglobin subunit beta; minus strand), LOC106099062 (HBB recombination region; plus strand), LOC107133510 (origin of replication at HBB; plus strand). Cytogenetic location: 11p15.4.
Variant type: single nucleotide variant.
Coding change: c.113G>A on transcript NM_000518.5 (MANE Select); coding-DNA position 113, G replaced by A.
Protein change: p.Trp38Ter; replaces tryptophan 38 with a stop codon.
Molecular consequence: nonsense.
Genome position (GRCh38, 1-based): chr11:5,226,779, C>T on the plus strand (G>A on the coding strand, the complement: HBB is on the minus strand). VCF-style: chr11-5226779-C-T. GRCh37 (hg19) VCF-style: chr11-5248009-C-T.
Other names: CD 37 (TGG>TAG); short protein forms W38*.
Identifiers: ClinVar variation 439782 (VCV000439782.17), dbSNP rs33991059, ClinGen allele CA217114568.